The following is an entry in ClinVar:

NM_000053.4(ATP7B):c.2804C>T (p.Thr935Met)

Gene: ATP7B (ATPase copper transporting beta; minus strand). Cytogenetic location: 13q14.3.
Variant type: single nucleotide variant.
Coding change: c.2804C>T on transcript NM_000053.4 (MANE Select); coding-DNA position 2804, C replaced by T.
Protein change: p.Thr935Met; replaces threonine 935 with methionine.
Molecular consequence: missense variant. On other transcripts: intron variant (1).
Genome position (GRCh38, 1-based): chr13:51,949,723, G>A on the plus strand (C>T on the coding strand, the complement: ATP7B is on the minus strand). VCF-style: chr13-51949723-G-A. GRCh37 (hg19) VCF-style: chr13-52523859-G-A.
Other names: c.2471C>T, p.Thr824Met (NM_001243182.2); c.2570C>T, p.Thr857Met (NM_001330578.2); c.2552C>T, p.Thr851Met (NM_001330579.2); c.2244+284C>T (NM_001005918.3); short protein forms T935M, T824M, T851M, T857M.
Identifiers: ClinVar variation 188713 (VCV000188713.69), dbSNP rs750019452, ClinGen allele CA273878.

ClinVar aggregate classification (germline): Pathogenic/Likely pathogenic. Review status: criteria provided, multiple submitters, no conflicts (2 of 4 stars). 23 submissions from 23 submitters: Pathogenic (19); Likely pathogenic (2). 2 of the submissions do not count toward it. Last evaluated 2026-07-29.

Conditions:
ATP7B-related disorder. Also called: ATP7B-related condition.
Wilson disease (WND). Also called: Wilson's disease. Identifiers: Orphanet 905, MedGen C0019202, MONDO:0010200, OMIM 277900. Disease mechanism: loss of function.

Allele frequency attached by ClinVar (database versions not stated): gnomAD 0.00003; gnomAD exomes 0.00004 and 0.00019; TOPMed 0.00010; ExAC 0.00017.
gnomAD v4.1: 70 of 1,613,884 alleles (0.0043%); highest among the groups gnomAD compares: East Asian, 0.065%; 1 homozygote.

Submissions 1 to 13 of 23:

PreventionGenetics, part of Exact Sciences
Classification: Pathogenic for ATP7B-related condition. Last evaluated: 2026-07-29. Review status: criteria provided, single submitter. Criteria: ACMG Guidelines, 2015. Collection method: clinical testing. Allele origin: germline.
Comment: The ATP7B c.2804C>T variant is predicted to result in the amino acid substitution p.Thr935Met. This variant has been reported as one of the most common variants in individuals of Chinese descent with Wilson disease (Wu et al. 2001. PubMed ID: 11775208; Al-Obaidi et al. 2025. PubMed ID: 39933775; Lildballe et al. 2026. PubMed ID: 42000590), has been noted to segregate with the disorder in families (Yang et al. 2021. PubMed ID: 33668890), and has been reported in individuals with later onset of the disorder (Yang et al. 2024. PubMed ID: 39719440). Functional studies suggests that this variant results in compromised copper expression with relatively normal transport levels (Zhu et al. 2015. PubMed ID: 26032686; Calvo et al. 2025. PubMed ID: 40661833). This variant is reported in 0.24% of alleles in individuals of East Asian descent in gnomAD and is classified as pathogenic and likely pathogenic in ClinVar (Variation ID: 188713). This variant is interpreted as pathogenic.

CeGaT Center for Human Genetics Tuebingen
Classification: Pathogenic. Last evaluated: 2026-02-01. Review status: criteria provided, single submitter. Criteria: CeGaT Center For Human Genetics Tuebingen Variant Classification Criteria Version 2. Collection method: clinical testing. Allele origin: germline. Affected: yes. Observed: 4 variant alleles.
Comment: ATP7B: PM3:Very Strong, PM1, PM2, PP4

Labcorp Genetics (formerly Invitae), Labcorp
Classification: Pathogenic for Wilson disease. Last evaluated: 2026-02-01. Review status: criteria provided, single submitter. Criteria: Invitae Variant Classification Sherloc (09022015). Collection method: clinical testing. Allele origin: germline.
Comment: This sequence change replaces threonine, which is neutral and polar, with methionine, which is neutral and non-polar, at codon 935 of the ATP7B protein (p.Thr935Met). This variant is present in population databases (rs750019452, gnomAD 0.2%). This missense change has been observed in individual(s) with Wilson disease (PMID: 11775208, 14986826, 16649058, 26483271, 27022412). ClinVar contains an entry for this variant (Variation ID: 188713). Invitae Evidence Modeling of protein sequence and biophysical properties (such as structural, functional, and spatial information, amino acid conservation, physicochemical variation, residue mobility, and thermodynamic stability) indicates that this missense variant is expected to disrupt ATP7B protein function with a positive predictive value of 80%. Experimental studies have shown that this missense change affects ATP7B function (PMID: 26032686). For these reasons, this variant has been classified as Pathogenic.

Natera, Inc.
Classification: Pathogenic for Wilson disease. Last evaluated: 2025-11-08. Review status: criteria provided, single submitter. Criteria: Natera Variant Classification Schema (03/2026). Collection method: clinical testing. Allele origin: germline.
Comment: The c.2804C>T variant in ATP7B is a missense variant predicted to cause substitution of threonine to methionine at amino acid 935. This variant is rare in the general population with a frequency below the threshold expected for the associated phenotype(s). This variant has been observed in one or more individuals affected with the associated recessive disease, as either homozygous or compound heterozygous with a second variant (PMID: 33668890). Computational prediction algorithms indicate this variant is likely to affect gene or protein function. Given the available evidence, this variant is classified as Pathogenic.

Genomic Medicine Center of Excellence, King Faisal Specialist Hospital and Research Centre
Classification: Pathogenic for Wilson disease. Last evaluated: 2025-09-10. Review status: criteria provided, single submitter. Criteria: ACMG Guidelines, 2015. Collection method: clinical testing. Allele origin: germline.

Mayo Clinic Laboratories, Mayo Clinic
Classification: Pathogenic. Last evaluated: 2025-08-12. Review status: criteria provided, single submitter. Criteria: ACMG Guidelines, 2015. Collection method: clinical testing. Allele origin: germline. Observed: 4 variant alleles.
Comment: PP3_moderate, PP4, PM2_moderate, PS3, PS4_moderate

GeneDx
Classification: Pathogenic. Last evaluated: 2025-03-12. Review status: criteria provided, single submitter. Criteria: GeneDx Variant Classification Process June 2021. Collection method: clinical testing. Allele origin: germline. Affected: yes.
Comment: In silico analysis supports that this missense variant has a deleterious effect on protein structure/function; This variant is associated with the following publications: (PMID: 24094725, 17949296, 34598035, 35041927, 35357466, 26032686, 23607698, 24476933, 22692182, 11775208, 17680703, 18034201, 18760268, 21219664, 11715435, 9829905, 10447265, 30609409, 21796144, 30275481, 24475083, 31980526, 32043565, 27982432, 16649058, 30884209, 31589614, 33668890, 33763395, 32794656, 35314707, 35470480, 35385937, 37020998, 38167091, ZhangT2023[preprint], 36456202, 37031186, 36459106, 37701133, 11405812, 30655162, 27022412, 39020387, 35220961, 14986826, 26483271, 25825851)

Blueprint Genetics
Classification: Pathogenic for ATP7B-related disorders. Last evaluated: 2024-11-25. Review status: criteria provided, single submitter. Criteria: ACMG Guidelines, 2015. Collection method: clinical testing. Allele origin: germline. Affected: yes. Observed: 4 variant alleles.

3billion
Classification: Pathogenic for Wilson disease. Last evaluated: 2024-09-27. Review status: criteria provided, single submitter. Criteria: ACMG Guidelines, 2015. Collection method: clinical testing. Allele origin: germline. Affected: yes.
Comment: The variant is observed at an extremely low frequency in the gnomAD v4.1.0 dataset (total allele frequency: 0.004%). Predicted Consequence/Location: Missense variant. The majority of the known disease-causing variants of this gene are variants expected to result in premature termination of the protein. Functional studies provide moderate evidence of the variant having a damaging effect on the gene or gene product (PMID: 26032686, 9829905). In silico tool predictions suggest damaging effect of the variant on gene or gene product [REVEL: 0.84 (>=0.6, sensitivity 0.68 and specificity 0.92)]. The same nucleotide change resulting in the same amino acid change has been previously reported as pathogenic/likely pathogenic with strong evidence (ClinVar ID: VCV000188713 /PMID: 11775208 /3billion dataset). The variant has been reported to be in trans with a pathogenic variant as either compound heterozygous or homozygous in at least one similarly affected unrelated individual (PMID: 27022412 /3billion dataset). Therefore, this variant is classified as Pathogenic according to the recommendation of ACMG/AMP guideline.

All of Us Research Program, National Institutes of Health
Classification: Pathogenic for Wilson disease. Last evaluated: 2024-09-23. Review status: criteria provided, single submitter. Criteria: ACMG Guidelines, 2015. Collection method: clinical testing. Allele origin: germline. Inheritance: Autosomal recessive inheritance. Observed: 25 variant alleles, 25 heterozygotes.
Comment: The T935M variant is the third most common ATP7B pathogenic variant identified in the Chinese population, and may be considered a founder mutation (PMID: 33668890). In silico analysis suggest that this variant results in a deleterious effect to the protein that is sufficient to be disease-causing (PMID: 26032686). This variant has been reported in multiple individuals with Wilson disease (PMID: 30655162, 17949296, 27982462, 33668890, 11405812, 12756138, 11775208, 14986826, 16649058, 26483271, 27022412). This variant is present in 49 of 280706 total alleles in the Genome Aggregation Database. This variant was detected in multiple affected individuals as compound heterozygous (in trans) with a likely pathogenic or pathogenic variant, which is consistent with autosomal recessive inheritance (PMID: 25825851, 24476933, 28123513,27398169, 11405812, 11775208, 14986826, 16649058, 26483271) and was reported to be homozygous in one affected individual (PMID: 33668890). This variant has been reported to co-segregate with Wilson disease in more than 13 affected individuals in more than one family (PMID: 33668890, 18034201).

This study involves interpretation of variants in research participants for the purpose of population health screening. Participant phenotype was not available at the time of variant classification. Additional details can be found in publication PMID: 35346344, PMCID: PMC8962531

Lildballe Lab, Aarhus University Hospital
Classification: Pathogenic for Wilson disease. Last evaluated: 2024-08-29. Review status: criteria provided, single submitter. Criteria: ACMG Guidelines, 2015. Collection method: clinical testing. Allele origin: germline. Affected: yes.
Comment: PP5, PM1, PM2, PP3

Fulgent Genetics
Classification: Pathogenic for Wilson disease. Last evaluated: 2024-05-14. Review status: criteria provided, single submitter. Criteria: ACMG Guidelines, 2015. Collection method: clinical testing. Allele origin: germline.

Baylor Genetics
Classification: Likely pathogenic for Wilson disease. Last evaluated: 2024-03-27. Review status: criteria provided, single submitter. Criteria: ACMG Guidelines, 2015. Collection method: clinical testing. Allele origin: unknown.